The following is an entry in ClinVar:

NM_019841.7(TRPV5):c.1792G>A (p.Val598Met)

Gene: TRPV5 (transient receptor potential cation channel subfamily V member 5; minus strand). Cytogenetic location: 7q34.
Variant type: single nucleotide variant.
Coding change: c.1792G>A on transcript NM_019841.7 (MANE Select); coding-DNA position 1792, G replaced by A.
Protein change: p.Val598Met; replaces valine 598 with methionine.
Molecular consequence: missense variant.
Genome position (GRCh38, 1-based): chr7:142,909,593, C>T on the plus strand (G>A on the coding strand, the complement: TRPV5 is on the minus strand). VCF-style: chr7-142909593-C-T. GRCh37 (hg19) VCF-style: chr7-142606759-C-T.
Other names: short protein forms V598M.
Identifiers: ClinVar variation 2500119 (VCV002500119.3), dbSNP rs369644548, ClinGen allele CA168206166.

ClinVar aggregate classification (germline): Pathogenic (0 of 4 stars; one submission).

Conditions:
Renal Calcium Wasting Hypercalciuria.

Allele frequency attached by ClinVar (database versions not stated): ExAC 0.00001; gnomAD 0.00001; gnomAD exomes 0.00002; TOPMed 0.00002; ESP Exome Variant Server 0.00008.
gnomAD v4.1: 28 of 1,613,670 alleles (0.0017%); highest among the groups gnomAD compares: Middle Eastern, 0.033%; no homozygotes.

Submission:

Gene Mapping Laboratory, Hacettepe University
Classification: Pathogenic for Renal Calcium Wasting Hypercalciuria. Last evaluated: 2023-04-04. Review status: no assertion criteria provided. Collection method: research, in vitro. Allele origin: germline, not applicable. Inheritance: Autosomal recessive inheritance. Affected: yes and no. Observed: 3 variant alleles, 4 heterozygotes, 3 homozygotes. Clinical features observed: Hypercalciuria (HP:0002150), Nephrolithiasis (HP:0000787). Functional consequence: loss_of_function_variant.
Comment: The p.Val598Met variant is found in a family of 8 with 3 affected individuals (each has hypercalciuria). The variant is heterozygous in only 4 individuals in gnomAD and is not found in homozygosity in large population databases. Additional homozygosity mapping has excluded 98.85% of the genome for Identity-by-decent. Additional in vitro cell models show that cells transfected with p.Val598Met have lower calcium permeability and surface channel expression compared to cells transfected with the wild-type protein. The mutant protein also undergoes proteasomal degradation.